The following is an entry in ClinVar:

ClinVar aggregate classification (germline): Uncertain significance (1 of 4 stars; one submission).

Submission:

Labcorp Genetics (formerly Invitae), Labcorp
Classification: Uncertain significance. Last evaluated: 2025-06-01. Review status: criteria provided, single submitter. Criteria: Invitae Variant Classification Sherloc (09022015). Collection method: clinical testing. Allele origin: germline.
Comment: This variant, c.1308_1310del, results in the deletion of 1 amino acid(s) of the SIAE protein (p.Asn436del), but otherwise preserves the integrity of the reading frame. This variant is present in population databases (rs752182375, gnomAD 0.02%). This variant has not been reported in the literature in individuals affected with SIAE-related conditions. Experimental studies and prediction algorithms are not available or were not evaluated, and the functional significance of this variant is currently unknown. In summary, the available evidence is currently insufficient to determine the role of this variant in disease. Therefore, it has been classified as a Variant of Uncertain Significance.

NM_170601.5(SIAE):c.1305CAA[1] (p.Asn436del)

Gene: SIAE (sialic acid acetylesterase; minus strand). Cytogenetic location: 11q24.2.
Variant type: Microsatellite.
Coding change: c.1305CAA[1] on transcript NM_170601.5 (MANE Select); one copy of the 3-base unit CAA starting at c.1305; the reference has two copies in a row; one copy, 3 bases deleted.
Protein change: p.Asn436del; deletes asparagine 436.
Molecular consequence: inframe deletion.
Genome position (GRCh38, 1-based): chr11:124,638,552-124,638,554, TTG deleted on the plus strand (CAA on the coding strand, the reverse complement: SIAE is on the minus strand); deleting any 3 consecutive bases within chr11:124,638,552-124,638,558 gives the same sequence; the position shown is the placement nearest the transcript's 3' end. VCF-style (leftmost placement, unchanged base first): chr11-124638551-CTTG-C. GRCh37 (hg19) VCF-style: chr11-124508447-CTTG-C.
Other names: c.1200CAA[1], p.Asn401del (NM_001199922.2); short protein forms N436del, N401del.
Identifiers: ClinVar variation 1382814 (VCV001382814.6), dbSNP rs752182375, ClinGen allele CA6341232.
Genomic context (GRCh38, chr11:124,638,551, plus strand): 5'-TCTTGACTCCACCACAAAATGAACCCCTGTTTATTCTGCTGTTCTTCTCACCTCAAATAT[CTTG>C]TTGTCCTTTTTCTGCACCTGGATTTGCTGGTAATATGTGAGATTGAGCAGCCCCTTGTGA-3'